The following is an entry in ClinVar:

NC_000005.10:g.112707435G>T

Gene: APC (APC regulator of Wnt signaling pathway; plus strand). Cytogenetic location: 5q22.2.
Variant type: single nucleotide variant.
Genome position: GRCh38 VCF-style: chr5-112707435-G-T. GRCh37 (hg19) VCF-style: chr5-112043132-G-T.
Identifiers: ClinVar variation 1379550 (VCV001379550.6), dbSNP rs781399686, ClinGen allele CA124924659.

ClinVar aggregate classification (germline): Uncertain significance (1 of 4 stars; one submission).

Conditions:
Familial adenomatous polyposis 1 (FAP1). Also called: FAMILIAL ADENOMATOUS POLYPOSIS 1, ATTENUATED; POLYPOSIS, ADENOMATOUS INTESTINAL. Identifiers: MedGen C2713442, MONDO:0021056, OMIM 175100. Disease mechanism: loss of function.

Submission:

Labcorp Genetics (formerly Invitae), Labcorp
Classification: Uncertain significance for Familial adenomatous polyposis 1. Last evaluated: 2025-01-14. Review status: criteria provided, single submitter. Criteria: Invitae Variant Classification Sherloc (09022015). Collection method: clinical testing. Allele origin: germline.
Comment: This variant occurs in a non-coding region of the APC gene. It does not change the encoded amino acid sequence of the APC protein. This variant is not present in population databases (gnomAD no frequency). This variant has not been reported in the literature in individuals affected with APC-related conditions. Experimental studies and prediction algorithms are not available or were not evaluated, and the functional significance of this variant is currently unknown. In summary, the available evidence is currently insufficient to determine the role of this variant in disease. Therefore, it has been classified as a Variant of Uncertain Significance.